The following is an entry in ClinVar:

NM_004958.4(MTOR):c.1372A>G (p.Ile458Val)

Gene: MTOR (mechanistic target of rapamycin kinase; minus strand). Cytogenetic location: 1p36.22.
Variant type: single nucleotide variant.
Coding change: c.1372A>G on transcript NM_004958.4 (MANE Select); coding-DNA position 1372, A replaced by G.
Protein change: p.Ile458Val; replaces isoleucine 458 with valine.
Molecular consequence: missense variant.
Genome position (GRCh38, 1-based): chr1:11,243,154, T>C on the plus strand (A>G on the coding strand, the complement: MTOR is on the minus strand). VCF-style: chr1-11243154-T-C. GRCh37 (hg19) VCF-style: chr1-11303211-T-C.
Other names: c.1372A>G, p.Ile458Val (NM_001386500.1); c.124A>G, p.Ile42Val (NM_001386501.1); short protein forms I42V, I458V.
Identifiers: ClinVar variation 2636647 (VCV002636647.4), dbSNP rs754601974, ClinGen allele CA590751.

ClinVar aggregate classification (germline): Uncertain significance. Review status: criteria provided, multiple submitters, no conflicts (2 of 4 stars). 3 submissions from 3 submitters: Uncertain significance (3). Last evaluated 2026-05-29.

Conditions:
MTOR-related disorder. Also called: MTOR-related condition.
Inborn genetic diseases. Identifiers: MedGen C0950123, MeSH D030342.

Allele frequency attached by ClinVar (database versions not stated): ExAC 0.00001; gnomAD 0.00001; gnomAD exomes 0.00001.
gnomAD v4.1: 11 of 1,614,066 alleles (0.00068%); highest among the groups gnomAD compares: African/African-American, 0.0013%; no homozygotes.

Submissions (3):

PreventionGenetics, part of Exact Sciences
Classification: Uncertain significance for MTOR-related condition. Last evaluated: 2026-05-29. Review status: criteria provided, single submitter. Criteria: ACMG Guidelines, 2015. Collection method: clinical testing. Allele origin: germline.
Comment: The MTOR c.1372A>G variant is predicted to result in the amino acid substitution p.Ile458Val. To our knowledge, this variant has not been reported in the literature. This variant is reported in 0.00088% of alleles in individuals of European (Non-Finnish) descent in gnomAD. At this time, the clinical significance of this variant is uncertain due to the absence of conclusive functional and genetic evidence.

Ambry Genetics
Classification: Uncertain significance for Inborn genetic diseases. Last evaluated: 2025-05-07. Review status: criteria provided, single submitter. Criteria: Ambry Variant Classification Scheme 2023. Collection method: clinical testing. Allele origin: germline.

GeneDx
Classification: Uncertain significance. Last evaluated: 2024-07-31. Review status: criteria provided, single submitter. Criteria: GeneDx Variant Classification Process June 2021. Collection method: clinical testing. Allele origin: germline. Affected: yes.
Comment: In silico analysis indicates that this missense variant does not alter protein structure/function; Has not been previously published as pathogenic or benign to our knowledge